The following is an entry in ClinVar:

ClinVar aggregate classification (germline): Uncertain significance (1 of 4 stars; one submission).

Submission:

Dasa
Classification: Uncertain significance. Last evaluated: 2025-07-01. Review status: criteria provided, single submitter. Criteria: DASA Assertion Criteria. Collection method: clinical testing. Allele origin: germline.
Comment: NM_001122772.3(AGAP2):c.2195C>T (p.Thr732Ile) is a missense variant that results in the substitution of threonine with isoleucine. This variant is rare in population databases. Computational prediction algorithms are consistent with a deleterious effect. The currently available literature and clinical evidence are not sufficient to establish a definitive association between this variant and the reported condition. Therefore, this variant is classified as a variant of uncertain significance.

NM_001122772.3(AGAP2):c.2195C>T (p.Thr732Ile)

Gene: AGAP2 (ArfGAP with GTPase domain, ankyrin repeat and PH domain 2; minus strand). Cytogenetic location: 12q14.1.
Variant type: single nucleotide variant.
Coding change: c.2195C>T on transcript NM_001122772.3 (MANE Select); coding-DNA position 2195, C replaced by T.
Protein change: p.Thr732Ile; replaces threonine 732 with isoleucine.
Molecular consequence: missense variant.
Genome position (GRCh38, 1-based): chr12:57,730,904, G>A on the plus strand (C>T on the coding strand, the complement: AGAP2 is on the minus strand). VCF-style: chr12-57730904-G-A. GRCh37 (hg19) VCF-style: chr12-58124687-G-A.
Other names: c.1187C>T, p.Thr396Ile (NM_014770.4); short protein forms T396I, T732I.
Identifiers: ClinVar variation 4882841 (VCV004882841.2).